The following is an entry in ClinVar:

NM_003906.5(MCM3AP):c.809dup (p.Arg271fs)

Gene: MCM3AP (minichromosome maintenance complex component 3 associated protein; minus strand). Cytogenetic location: 21q22.3.
Variant type: Duplication.
Coding change: c.809dup on transcript NM_003906.5 (MANE Select); coding-DNA position 809, one base duplicated (T; older notation c.809dupT).
Protein change: p.Arg271fs; shifts the reading frame from arginine 271.
Molecular consequence: frameshift variant.
Genome position (GRCh38, 1-based): chr21:46,284,478, A duplicated on the plus strand (T on the coding strand, the reverse complement: MCM3AP is on the minus strand). VCF-style (leftmost placement, unchanged base first): chr21-46284477-G-GA. GRCh37 (hg19) VCF-style: chr21-47704391-G-GA.
Other names: short protein forms R271fs.
Identifiers: ClinVar variation 2704895 (VCV002704895.3), dbSNP rs2517437634, ClinGen allele CA2697547597.

ClinVar aggregate classification (germline): Pathogenic (1 of 4 stars; one submission).

Submission:

Labcorp Genetics (formerly Invitae), Labcorp
Classification: Pathogenic. Last evaluated: 2023-12-22. Review status: criteria provided, single submitter. Criteria: Invitae Variant Classification Sherloc (09022015). Collection method: clinical testing. Allele origin: germline.
Comment: This sequence change creates a premature translational stop signal (p.Arg271Glnfs*5) in the MCM3AP gene. It is expected to result in an absent or disrupted protein product. Loss-of-function variants in MCM3AP are known to be pathogenic (PMID: 28633435). This variant is not present in population databases (gnomAD no frequency). This variant has not been reported in the literature in individuals affected with MCM3AP-related conditions. For these reasons, this variant has been classified as Pathogenic.

Literature cited by the submitters: PubMed 28633435.